The following is an entry in ClinVar:

ClinVar aggregate classification (germline): Uncertain significance. Review status: criteria provided, multiple submitters, no conflicts (2 of 4 stars). 2 submissions from 2 submitters: Uncertain significance (2). Last evaluated 2025-11-24.

Conditions:
Inborn genetic diseases. Identifiers: MedGen C0950123, MeSH D030342.

Allele frequency attached by ClinVar (database versions not stated): gnomAD exomes below 0.00001; gnomAD 0.00001; TOPMed 0.00001; ExAC 0.00002.
gnomAD v4.1: 3 of 1,613,618 alleles (0.00019%); highest among the groups gnomAD compares: East Asian, 0.0067%; no homozygotes.

Submissions (2):

Ambry Genetics
Classification: Uncertain significance for Inborn genetic diseases. Last evaluated: 2025-11-24. Review status: criteria provided, single submitter. Criteria: Ambry Variant Classification Scheme 2023. Collection method: clinical testing. Allele origin: germline.

Labcorp Genetics (formerly Invitae), Labcorp
Classification: Uncertain significance. Last evaluated: 2025-09-20. Review status: criteria provided, single submitter. Criteria: Invitae Variant Classification Sherloc (09022015). Collection method: clinical testing. Allele origin: germline.
Comment: This sequence change replaces lysine, which is basic and polar, with threonine, which is neutral and polar, at codon 1410 of the COL11A2 protein (p.Lys1410Thr). This variant is present in population databases (rs755963276, gnomAD 0.01%). This variant has not been reported in the literature in individuals affected with COL11A2-related conditions. ClinVar contains an entry for this variant (Variation ID: 2168980). Invitae Evidence Modeling of protein sequence and biophysical properties (such as structural, functional, and spatial information, amino acid conservation, physicochemical variation, residue mobility, and thermodynamic stability) indicates that this missense variant is expected to disrupt COL11A2 protein function with a positive predictive value of 80%. In summary, the available evidence is currently insufficient to determine the role of this variant in disease. Therefore, it has been classified as a Variant of Uncertain Significance.

NM_080680.3(COL11A2):c.4229A>C (p.Lys1410Thr)

Gene: COL11A2 (collagen type XI alpha 2 chain; minus strand). Cytogenetic location: 6p21.32.
Variant type: single nucleotide variant.
Coding change: c.4229A>C on transcript NM_080680.3 (MANE Select); coding-DNA position 4229, A replaced by C.
Protein change: p.Lys1410Thr; replaces lysine 1410 with threonine.
Molecular consequence: missense variant.
Genome position (GRCh38, 1-based): chr6:33,167,071, T>G on the plus strand (A>C on the coding strand, the complement: COL11A2 is on the minus strand). VCF-style: chr6-33167071-T-G. GRCh37 (hg19) VCF-style: chr6-33134848-T-G.
Other names: c.3908A>C, p.Lys1303Thr (NM_080679.3); c.3971A>C, p.Lys1324Thr (NM_080681.3); c.4229A>C (NM_080680.2); short protein forms K1303T, K1410T, K1324T.
Identifiers: ClinVar variation 2168980 (VCV002168980.5), dbSNP rs755963276, ClinGen allele CA3750181.